The following is an entry in ClinVar:

NM_000053.4(ATP7B):c.-74C>T

Gene: ATP7B (ATPase copper transporting beta; minus strand). Cytogenetic location: 13q14.3.
Variant type: single nucleotide variant.
Coding change: c.-74C>T on transcript NM_000053.4 (MANE Select); 74 bases upstream of the start codon, C replaced by T.
Molecular consequence: 5 prime UTR variant.
Genome position (GRCh38, 1-based): chr13:52,011,411, G>A on the plus strand (C>T on the coding strand, the complement: ATP7B is on the minus strand). VCF-style: chr13-52011411-G-A. GRCh37 (hg19) VCF-style: chr13-52585547-G-A.
Other names: c.-74C>T (NM_001005918.3, NM_001243182.2, NM_001330578.2 and 1 more transcripts).
Identifiers: ClinVar variation 312404 (VCV000312404.6), dbSNP rs193922101, ClinGen allele CA10644771.

ClinVar aggregate classification (germline): Conflicting classifications of pathogenicity. Review status: criteria provided, conflicting classifications (1 of 4 stars). 3 submissions from 3 submitters: Uncertain significance (2); Likely benign (1). Last evaluated 2026-04-22.

Conditions:
ATP7B-related disorder. Also called: ATP7B-related condition.
Wilson disease (WND). Also called: Wilson's disease. Identifiers: Orphanet 905, MedGen C0019202, MONDO:0010200, OMIM 277900. Disease mechanism: loss of function.

Allele frequency attached by ClinVar (database versions not stated): gnomAD 0.00006; TOPMed 0.00013.
gnomAD v4.1: 375 of 1,603,446 alleles (0.023%); highest among the groups gnomAD compares: South Asian, 0.13%; no homozygotes.

Submissions (3):

PreventionGenetics, part of Exact Sciences
Classification: Likely benign for ATP7B-related condition. Last evaluated: 2026-04-22. Review status: criteria provided, single submitter. Criteria: ACMG Guidelines, 2015. Collection method: clinical testing. Allele origin: germline.
Comment: This variant is classified as likely benign based on ACMG/AMP sequence variant interpretation guidelines (Richards et al. 2015 PMID: 25741868, with internal and published modifications).

Myriad Genetics, Inc.
Classification: Uncertain significance for Wilson disease. Last evaluated: 2026-03-11. Review status: criteria provided, single submitter. Criteria: Myriad Autosomal Dominant, Autosomal Recessive and X-Linked Classification Criteria (2023). Collection method: clinical testing. Allele origin: unknown.
Comment: NM_000053.3(ATP7B):c.-74C>T is a 5' non-coding variant classified as a variant of uncertain significance in the context of Wilson disease. c.-74C>T has not been observed in cases with relevant disease. Relevant functional assessments of this variant are not available in the literature. c.-74C>T has not been observed in referenced population frequency databases. In summary, there is insufficient evidence to classify NM_000053.3(ATP7B):c.-74C>T as pathogenic or benign. Please note: this variant was assessed in the context of healthy population screening.

Illumina Laboratory Services, Illumina
Classification: Uncertain significance for Wilson disease. Last evaluated: 2018-01-12. Review status: criteria provided, single submitter. Criteria: ICSL Variant Classification Criteria 13 December 2019. Collection method: clinical testing. Allele origin: germline.